The following is an entry in ClinVar:

NM_002471.4(MYH6):c.5312_5323del (p.Leu1771_Glu1774del)

Gene: MYH6 (myosin heavy chain 6; minus strand). Cytogenetic location: 14q11.2.
Variant type: Deletion.
Coding change: c.5312_5323del on transcript NM_002471.4 (MANE Select); coding-DNA positions 5312 to 5323, 12 bases deleted (TGAAGAAGGAGC).
Protein change: p.Leu1771_Glu1774del.
Molecular consequence: inframe deletion. On other transcripts: inframe indel (1).
Genome position (GRCh38, 1-based): chr14:23,384,684-23,384,695, GCTCCTTCTTCA deleted on the plus strand (TGAAGAAGGAGC on the coding strand, the reverse complement: MYH6 is on the minus strand); deleting any 12 consecutive bases within chr14:23,384,684-23,384,701 gives the same sequence; the c. name uses the placement nearest the transcript's 3' end. VCF-style (leftmost placement, unchanged base first): chr14-23384683-TGCTCCTTCTTCA-T. GRCh37 (hg19) VCF-style: chr14-23853892-TGCTCCTTCTTCA-T.
Other names: c.5306_5317delAGGAGCTGAAGA, p.Leu1771_Glu1774del (NM_002471.3).
Identifiers: ClinVar variation 4536541 (VCV004536541.2).

ClinVar aggregate classification (germline): Uncertain significance. Review status: criteria provided, multiple submitters, no conflicts (2 of 4 stars). 2 submissions from 2 submitters: Uncertain significance (2). Last evaluated 2025-06-02.

Conditions:
Hypertrophic cardiomyopathy 14. Identifiers: MedGen C2750467, MONDO:0013197, OMIM 613251.

Submissions (2):

GeneDx
Classification: Uncertain significance. Last evaluated: 2025-06-02. Review status: criteria provided, single submitter. Criteria: GeneDx Variant Classification Process June 2021. Collection method: clinical testing. Allele origin: germline. Affected: yes.
Comment: Not observed at significant frequency in large population cohorts (gnomAD); In-frame deletion of 4 amino acid(s) in a non-repeat region; In silico analysis supports a deleterious effect on protein structure/function; Has not been previously published as pathogenic or benign to our knowledge

Labcorp Genetics (formerly Invitae), Labcorp
Classification: Uncertain significance for Hypertrophic cardiomyopathy 14. Last evaluated: 2025-02-12. Review status: criteria provided, single submitter. Criteria: Invitae Variant Classification Sherloc (09022015). Collection method: clinical testing. Allele origin: germline.
Comment: This variant, c.5312_5323del, results in the deletion of 4 amino acid(s) of the MYH6 protein (p.Leu1771_Glu1774del), but otherwise preserves the integrity of the reading frame. This variant is present in population databases (no rsID available, gnomAD 0.002%). This variant has not been reported in the literature in individuals affected with MYH6-related conditions. Experimental studies and prediction algorithms are not available or were not evaluated, and the functional significance of this variant is currently unknown. In summary, the available evidence is currently insufficient to determine the role of this variant in disease. Therefore, it has been classified as a Variant of Uncertain Significance.